The following is an entry in ClinVar:

ClinVar aggregate classification (germline): Uncertain significance (1 of 4 stars; one submission).

Conditions:
Autosomal dominant limb-girdle muscular dystrophy type 1D (DNAJB6) (LGMDD1). Also called: MUSCULAR DYSTROPHY, LIMB-GIRDLE, TYPE 1D; MUSCULAR DYSTROPHY, AUTOSOMAL DOMINANT, WITH RIMMED VACUOLES; Autosomal dominant limb-girdle muscular dystrophy type 1D; Muscular dystrophy, limb-girdle, autosomal dominant 1. Identifiers: Orphanet 34516, MedGen C4721885, MONDO:0021018, OMIM 603511.

Submission:

Labcorp Genetics (formerly Invitae), Labcorp
Classification: Uncertain significance for Autosomal dominant limb-girdle muscular dystrophy type 1D (DNAJB6). Last evaluated: 2022-06-29. Review status: criteria provided, single submitter. Criteria: Invitae Variant Classification Sherloc (09022015). Collection method: clinical testing. Allele origin: germline.
Comment: In summary, the available evidence is currently insufficient to determine the role of this variant in disease. Therefore, it has been classified as a Variant of Uncertain Significance. Experimental studies and prediction algorithms are not available or were not evaluated, and the functional significance of this variant is currently unknown. This variant has not been reported in the literature in individuals affected with DNAJB6-related conditions. This variant results in a copy number gain of the genomic region encompassing exon(s) 7-10 of the DNAJB6 gene. This region includes the termination codon of the gene. This copy number gain extends beyond the assayed region for this gene and therefore may encompass additional genes. As the precise location of this event is unknown, it may be in tandem or it may be located elsewhere in the genome.

NC_000007.13:g.(?_157177541)_(157208792_?)dup

Gene: DNAJB6 (DnaJ heat shock protein family (Hsp40) member B6; plus strand). Cytogenetic location: 7q36.3.
Variant type: Duplication.
Identifiers: ClinVar variation 2427176 (VCV002427176.6).